The following is an entry in ClinVar:

NM_005120.3(MED12):c.3883C>T (p.Arg1295Cys)

Gene: MED12 (mediator complex subunit 12; plus strand). Cytogenetic location: Xq13.1.
Variant type: single nucleotide variant.
Coding change: c.3883C>T on transcript NM_005120.3 (MANE Select); coding-DNA position 3883, C replaced by T.
Protein change: p.Arg1295Cys; replaces arginine 1295 with cysteine.
Molecular consequence: missense variant.
Genome position (GRCh38, 1-based): chrX:71,130,050, C>T. VCF-style: chrX-71130050-C-T. GRCh37 (hg19) VCF-style: chrX-70349900-C-T.
Other names: short protein forms R1295C.
Identifiers: ClinVar variation 213640 (VCV000213640.11), dbSNP rs863223706, ClinGen allele CA321357.
Genomic context (GRCh38, chrX:71,130,050, plus strand): 5'-CCCCCTCACTGGTTGTTCCCAGTCCCTGATTGTCAGCTTCCTCAGGAATGGGTAGGAGAA[C>T]GTTGCCTTAAGTCTCTGTGTGAGGACAGCAATGACCTGCAAGACCCAGTGTTGAGTAGTG-3'
Protein context (NP_005111.2, residues 1285-1305): SICQQEWVGE[Arg1295Cys]CLKSLCEDSN

ClinVar aggregate classification (germline): Pathogenic/Likely pathogenic. Review status: criteria provided, multiple submitters, no conflicts (2 of 4 stars). 6 submissions from 6 submitters: Pathogenic (4); Likely pathogenic (1). 1 of the submissions does not count toward it. Last evaluated 2025-07-28.

Conditions:
FG syndrome (FGS). Identifiers: MedGen C0220769, MONDO:0002010.
X-linked intellectual disability with marfanoid habitus. Also called: Lujan Syndrome (LS); X-linked mental retardation with marfanoid habitus syndrome; Lujan Syndrome; INTELLECTUAL DEVELOPMENTAL DISORDER, X-LINKED, SYNDROMIC, LUJAN-FRYNS TYPE. Identifiers: Orphanet 776, MedGen C0796022, MONDO:0010655, OMIM 309520.
FG syndrome 1 (OKS). Also called: FG Syndrome Type 1 (FGS1); OPITZ-KAVEGGIA SYNDROME; KELLER SYNDROME; MENTAL RETARDATION, LARGE HEAD, IMPERFORATE ANUS, CONGENITAL HYPOTONIA, AND PARTIAL AGENESIS OF CORPUS CALLOSUM. Identifiers: Orphanet 93932, MedGen C5399762, MONDO:0010590, OMIM 305450.

Allele frequency attached by ClinVar (database versions not stated): gnomAD exomes below 0.00001.
gnomAD v4.1: 1 of 1,209,372 alleles (0.000083%); highest among the groups gnomAD compares: Non-Finnish European, 0.00011%; no homozygotes.

Submissions (6):

Labcorp Genetics (formerly Invitae), Labcorp
Classification: Pathogenic for FG syndrome. Last evaluated: 2025-07-28. Review status: criteria provided, single submitter. Criteria: Invitae Variant Classification Sherloc (09022015). Collection method: clinical testing. Allele origin: germline.
Comment: This sequence change replaces arginine, which is basic and polar, with cysteine, which is neutral and slightly polar, at codon 1295 of the MED12 protein (p.Arg1295Cys). This variant is not present in population databases (gnomAD no frequency). This missense change has been observed in individuals with Opitz-Kaveggia syndrome (PMID: 30006928, 36271811). ClinVar contains an entry for this variant (Variation ID: 213640). Invitae Evidence Modeling of protein sequence and biophysical properties (such as structural, functional, and spatial information, amino acid conservation, physicochemical variation, residue mobility, and thermodynamic stability) indicates that this missense variant is expected to disrupt MED12 protein function with a positive predictive value of 95%. This variant disrupts the p.Arg1295 amino acid residue in MED12. Other variant(s) that disrupt this residue have been determined to be pathogenic (PMID: 23506379, 28369444, 30729724, 36271811). This suggests that this residue is clinically significant, and that variants that disrupt this residue are likely to be disease-causing. For these reasons, this variant has been classified as Pathogenic.

Clinical Genetics Laboratory, University Hospital Schleswig-Holstein
Classification: Pathogenic for FG syndrome 1. Last evaluated: 2025-04-01. Review status: criteria provided, single submitter. Criteria: ACMG Guidelines, 2015. Collection method: clinical testing. Allele origin: de novo. Affected: yes. Observed: 1 hemizygote.
Comment: ACMG criteria applied: PM2, PS4, PP3, PP2, PS2_Moderate

GeneDx
Classification: Pathogenic. Last evaluated: 2025-01-13. Review status: criteria provided, single submitter. Criteria: GeneDx Variant Classification Process June 2021. Collection method: clinical testing. Allele origin: germline. Affected: yes.
Comment: In silico analysis supports that this missense variant has a deleterious effect on protein structure/function; Not observed at significant frequency in large population cohorts (gnomAD); This variant is associated with the following publications: (PMID: 25644381, 30006928, 31536828, 37853563, 36271811)

Duke University Health System Sequencing Clinic, Duke University Health System
Classification: Pathogenic for FG syndrome 1. Last evaluated: 2023-04-20. Review status: criteria provided, single submitter. Criteria: ACMG Guidelines, 2015. Collection method: research. Allele origin: maternal. Affected: yes.

Institute of Human Genetics, University of Leipzig Medical Center
Classification: Likely pathogenic for X-linked intellectual disability with marfanoid habitus. Last evaluated: 2022-05-11. Review status: criteria provided, single submitter. Criteria: ACMG Guidelines, 2015. Collection method: clinical testing. Allele origin: maternal. Affected: yes.
Comment: This variant was identified as hemizygous._x000D_ Criteria applied: PS4_MOD, PM5, PM2_SUP, PP3

GeneReviews
No classification provided. Condition: FG syndrome. Review status: no classification provided. Collection method: literature only. Allele origin: germline. Not counted in ClinVar's aggregate classification.
Comment: Reported in a family with nonspecific intellectual disability

Literature cited by the submitters: PubMed 30006928 (cited by Labcorp Genetics (formerly Invitae), Labcorp); PubMed 36271811 (cited by Labcorp Genetics (formerly Invitae), Labcorp); PubMed 23506379 (cited by Labcorp Genetics (formerly Invitae), Labcorp); PubMed 28369444 (cited by Labcorp Genetics (formerly Invitae), Labcorp); PubMed 30729724 (cited by Labcorp Genetics (formerly Invitae), Labcorp); PubMed 31536828 (cited by GeneReviews); PubMed 20301719 (cited by GeneReviews).